The following is an entry in ClinVar:

ClinVar aggregate classification (germline): Uncertain significance (1 of 4 stars; one submission).

Conditions:
Hereditary cancer-predisposing syndrome. Also called: Hereditary Cancer Syndrome; Neoplastic Syndromes, Hereditary; Tumor predisposition; Hereditary neoplastic syndrome. Identifiers: Orphanet 140162, MedGen C0027672, MeSH D009386, MONDO:0015356.

Submission:

Ambry Genetics
Classification: Uncertain significance for Hereditary cancer-predisposing syndrome. Last evaluated: 2026-06-18. Review status: criteria provided, single submitter. Criteria: Ambry Variant Classification Scheme 2023. Collection method: clinical testing. Allele origin: germline.
Comment: The p.W114S variant (also known as c.341G>C), located in coding exon 2 of the CHEK2 gene, results from a G to C substitution at nucleotide position 341. The tryptophan at codon 114 is replaced by serine, an amino acid with highly dissimilar properties. This amino acid position is well conserved in available vertebrate species. In addition, this alteration is predicted to be deleterious by in silico analysis. Based on the available evidence, the clinical significance of this variant remains unclear.

NM_007194.4(CHEK2):c.341G>C (p.Trp114Ser)

Gene: CHEK2 (checkpoint kinase 2; minus strand). Cytogenetic location: 22q12.1.
Variant type: single nucleotide variant.
Coding change: c.341G>C on transcript NM_007194.4 (MANE Select); coding-DNA position 341, G replaced by C.
Protein change: p.Trp114Ser; replaces tryptophan 114 with serine.
Molecular consequence: missense variant. On other transcripts: 5 prime UTR variant (2).
Genome position (GRCh38, 1-based): chr22:28,725,346, C>G on the plus strand (G>C on the coding strand, the complement: CHEK2 is on the minus strand). VCF-style: chr22-28725346-C-G. GRCh37 (hg19) VCF-style: chr22-29121334-C-G.
Other names: c.470G>C, p.Trp157Ser (NM_001005735.3, NM_001438294.1); c.-437G>C (NM_001257387.3); c.341G>C, p.Trp114Ser (NM_001349956.3, NM_145862.3); c.-323G>C (NM_001437942.1); c.434G>C, p.Trp145Ser (NM_001438293.1, NM_001438295.1); short protein forms W157S, W114S, W145S.
Identifiers: ClinVar variation 5034543 (VCV005034543.1).